The following is an entry in ClinVar:

NC_000021.8:g.(?_47531391)_(47537387_?)dup

Gene: COL6A2 (collagen type VI alpha 2 chain; plus strand). Cytogenetic location: 21q22.3.
Variant type: Duplication.
Identifiers: ClinVar variation 3248171 (VCV003248171.1).

ClinVar aggregate classification (germline): Uncertain significance (1 of 4 stars; one submission).

Conditions:
Bethlem myopathy 1A. Also called: MYOPATHY, BENIGN CONGENITAL, WITH CONTRACTURES; Bethlem myopathy 1; Bethlem Muscular Dystrophy. Identifiers: Orphanet 610, MedGen CN029274, MONDO:0024530, OMIM 158810.

Submission:

Labcorp Genetics (formerly Invitae), Labcorp
Classification: Uncertain significance for Bethlem myopathy 1A. Last evaluated: 2023-03-31. Review status: criteria provided, single submitter. Criteria: Invitae Variant Classification Sherloc (09022015). Collection method: clinical testing. Allele origin: unknown.
Comment: In summary, the available evidence is currently insufficient to determine the role of this variant in disease. Therefore, it has been classified as a Variant of Uncertain Significance. This variant has not been reported in the literature in individuals affected with COL6A2-related conditions. This variant results in a copy number gain of the genomic region encompassing exon(s) 2-11 of the COL6A2 gene. This region includes the initiator codon of the gene. This copy number gain extends beyond the assayed region for this gene and therefore may encompass additional genes. As the precise location of this event is unknown, it may be in tandem or it may be located elsewhere in the genome.